The following is an entry in ClinVar:

ClinVar aggregate classification (germline): Uncertain significance. Review status: criteria provided, multiple submitters, no conflicts (2 of 4 stars). 2 submissions from 2 submitters: Uncertain significance (2). Last evaluated 2024-05-03.

Allele frequency attached by ClinVar (database versions not stated): gnomAD exomes 0.00002 and 0.00006; TOPMed 0.00004; ExAC 0.00005; gnomAD 0.00003.
gnomAD v4.1: 30 of 1,613,790 alleles (0.0019%); highest among the groups gnomAD compares: East Asian, 0.051%; no homozygotes.

Submissions (2):

Women's Health and Genetics/Laboratory Corporation of America, LabCorp
Classification: Uncertain significance. Last evaluated: 2024-05-03. Review status: criteria provided, single submitter. Criteria: LabCorp Variant Classification Summary - May 2015. Collection method: clinical testing. Allele origin: germline.
Comment: Variant summary: LARS1 c.1183G>A (p.Asp395Asn) results in a conservative amino acid change located in the Aminoacyl-tRNA synthetase, class Ia domain (IPR002300) of the encoded protein sequence. Three of five in-silico tools predict a damaging effect of the variant on protein function. The variant allele was found at a frequency of 6.4e-05 in 282740 control chromosomes (gnomAD), predominantly at a frequency of 0.0009 within the East Asian subpopulation in the gnomAD database. This frequency is not significantly higher than expected for a pathogenic variant in LARS1 causing Liver Failure Acute Infantile, Type 1 (0.0009 vs 0.0011), allowing no conclusion about variant significance. c.1183G>A has been reported in the literature in at least one compound heterozygous individual affected with Acute Infantile Liver Failure (Lin_2017). These data do not allow any conclusion about variant significance. To our knowledge, no experimental evidence demonstrating an impact on protein function has been reported. The following publication have been ascertained in the context of this evaluation (PMID: 28774368). ClinVar contains an entry for this variant (Variation ID: 1304548). Based on the evidence outlined above, the variant was classified as uncertain significance.

GeneDx
Classification: Uncertain significance. Last evaluated: 2021-02-04. Review status: criteria provided, single submitter. Criteria: GeneDx Variant Classification Process June 2021. Collection method: clinical testing. Allele origin: germline. Affected: yes.
Comment: Identified in an infant with liver dysfunction, hypoproteinemia, coagulopathy and anemia who was also heterozygous for another variant in LARS (Lin et al., 2017); This variant is associated with the following publications: (PMID: 28774368)

Literature cited by the submitters: PubMed 28774368 (cited by Women's Health and Genetics/Laboratory Corporation of America, LabCorp).

NM_020117.11(LARS1):c.1183G>A (p.Asp395Asn)

Gene: LARS1 (leucyl-tRNA synthetase 1; minus strand). Cytogenetic location: 5q32.
Variant type: single nucleotide variant.
Coding change: c.1183G>A on transcript NM_020117.11 (MANE Select); coding-DNA position 1183, G replaced by A.
Protein change: p.Asp395Asn; replaces aspartic acid 395 with asparagine.
Molecular consequence: missense variant.
Genome position (GRCh38, 1-based): chr5:146,153,781, C>T on the plus strand (G>A on the coding strand, the complement: LARS1 is on the minus strand). VCF-style: chr5-146153781-C-T. GRCh37 (hg19) VCF-style: chr5-145533344-C-T.
Other names: c.1045G>A, p.Asp349Asn (NM_001317964.2); c.1021G>A, p.Asp341Asn (NM_001317965.2); c.1102G>A, p.Asp368Asn (NM_016460.4); short protein forms D341N, D349N, D368N, D395N.
Identifiers: ClinVar variation 1304548 (VCV001304548.5), dbSNP rs762386770, ClinGen allele CA3489709.